The following is an entry in ClinVar:

ClinVar aggregate classification (germline): Uncertain significance (1 of 4 stars; one submission).

Conditions:
Hereditary cancer-predisposing syndrome. Also called: Hereditary Cancer Syndrome; Tumor predisposition; Neoplastic Syndromes, Hereditary; Hereditary neoplastic syndrome. Identifiers: Orphanet 140162, MedGen C0027672, MeSH D009386, MONDO:0015356.

Submission:

Labcorp Genetics (formerly Invitae), Labcorp
Classification: Uncertain significance for Hereditary cancer-predisposing syndrome. Last evaluated: 2022-04-28. Review status: criteria provided, single submitter. Criteria: Invitae Variant Classification Sherloc (09022015). Collection method: clinical testing. Allele origin: germline.
Comment: In summary, the available evidence is currently insufficient to determine the role of this variant in disease. Therefore, it has been classified as a Variant of Uncertain Significance. Algorithms developed to predict the effect of missense changes on protein structure and function are either unavailable or do not agree on the potential impact of this missense change (SIFT: "Deleterious"; PolyPhen-2: "Probably Damaging"; Align-GVGD: "Class C0"). This variant has not been reported in the literature in individuals affected with RAD50-related conditions. This variant is not present in population databases (gnomAD no frequency). This sequence change replaces arginine, which is basic and polar, with isoleucine, which is neutral and non-polar, at codon 1005 of the RAD50 protein (p.Arg1005Ile).

NM_005732.4(RAD50):c.3014G>T (p.Arg1005Ile)

Gene: RAD50 (RAD50 double strand break repair protein; plus strand). Cytogenetic location: 5q31.1.
Variant type: single nucleotide variant.
Coding change: c.3014G>T on transcript NM_005732.4 (MANE Select); coding-DNA position 3014, G replaced by T.
Protein change: p.Arg1005Ile; replaces arginine 1005 with isoleucine.
Molecular consequence: missense variant.
Genome position (GRCh38, 1-based): chr5:132,609,374, G>T. VCF-style: chr5-132609374-G-T. GRCh37 (hg19) VCF-style: chr5-131945066-G-T.
Other names: short protein forms R1005I.
Identifiers: ClinVar variation 2124009 (VCV002124009.4), dbSNP rs2479371783, ClinGen allele CA360960971.